The following is an entry in ClinVar:

ClinVar aggregate classification (germline): Uncertain significance (1 of 4 stars; one submission).

Allele frequency attached by ClinVar (database versions not stated): TOPMed below 0.00001.
gnomAD v4.1: 4 of 1,614,086 alleles (0.00025%); highest among the groups gnomAD compares: East Asian, 0.0045%; no homozygotes.

Submission:

GeneDx
Classification: Uncertain significance. Last evaluated: 2024-11-22. Review status: criteria provided, single submitter. Criteria: GeneDx Variant Classification Process June 2021. Collection method: clinical testing. Allele origin: germline.
Comment: Not observed at significant frequency in large population cohorts (gnomAD); In silico analysis supports that this missense variant has a deleterious effect on protein structure/function; Has not been previously published as pathogenic or benign to our knowledge

NM_000352.6(ABCC8):c.1507C>T (p.Leu503Phe)

Gene: ABCC8 (ATP binding cassette subfamily C member 8; minus strand). Cytogenetic location: 11p15.1.
Variant type: single nucleotide variant.
Coding change: c.1507C>T on transcript NM_000352.6 (MANE Select); coding-DNA position 1507, C replaced by T.
Protein change: p.Leu503Phe; replaces leucine 503 with phenylalanine.
Molecular consequence: missense variant. On other transcripts: non-coding transcript variant (1).
Genome position (GRCh38, 1-based): chr11:17,442,843, G>A on the plus strand (C>T on the coding strand, the complement: ABCC8 is on the minus strand). VCF-style: chr11-17442843-G-A. GRCh37 (hg19) VCF-style: chr11-17464390-G-A.
Other names: c.1507C>T, p.Leu503Phe (NM_001287174.3, NM_001351295.2); c.1504C>T, p.Leu502Phe (NM_001351296.2, NM_001351297.2); short protein forms L502F, L503F.
Identifiers: ClinVar variation 2580653 (VCV002580653.2), dbSNP rs1027198360, ClinGen allele CA218445791.